The following is an entry in ClinVar:

ClinVar aggregate classification (germline): Uncertain significance (1 of 4 stars; one submission).

Conditions:
Cutis laxa, autosomal dominant 3 (ADCL3). Identifiers: Orphanet 90348, MedGen C4225268, MONDO:0014706, OMIM 616603.
Autosomal dominant spastic paraplegia type 9. Identifiers: MedGen C1832669, MONDO:0015091.
de Barsy syndrome. Also called: Cutis laxa-corneal clouding-oligophrenia syndrome. Identifiers: Orphanet 2962, MedGen C0268354, MONDO:0017569.

Allele frequency attached by ClinVar (database versions not stated): ExAC 0.00001; TOPMed 0.00001; gnomAD 0.00003.
gnomAD v4.1: 10 of 1,614,190 alleles (0.00062%); highest among the groups gnomAD compares: East Asian, 0.018%; no homozygotes.

Submission:

Labcorp Genetics (formerly Invitae), Labcorp
Classification: Uncertain significance for Autosomal dominant spastic paraplegia type 9; de Barsy syndrome; Cutis laxa, autosomal dominant 3. Last evaluated: 2024-05-19. Review status: criteria provided, single submitter. Criteria: Invitae Variant Classification Sherloc (09022015). Collection method: clinical testing. Allele origin: germline.
Comment: This sequence change replaces histidine, which is basic and polar, with asparagine, which is neutral and polar, at codon 777 of the ALDH18A1 protein (p.His777Asn). This variant is present in population databases (rs553385013, gnomAD 0.006%). This variant has not been reported in the literature in individuals affected with ALDH18A1-related conditions. ClinVar contains an entry for this variant (Variation ID: 2144136). Algorithms developed to predict the effect of missense changes on protein structure and function output the following: SIFT: "Not Available"; PolyPhen-2: "Benign"; Align-GVGD: "Not Available". The asparagine amino acid residue is found in multiple mammalian species, which suggests that this missense change does not adversely affect protein function. In summary, the available evidence is currently insufficient to determine the role of this variant in disease. Therefore, it has been classified as a Variant of Uncertain Significance.

NM_002860.4(ALDH18A1):c.2329C>A (p.His777Asn)

Gene: ALDH18A1 (aldehyde dehydrogenase 18 family member A1; minus strand). Cytogenetic location: 10q24.1.
Variant type: single nucleotide variant.
Coding change: c.2329C>A on transcript NM_002860.4 (MANE Select); coding-DNA position 2329, C replaced by A.
Protein change: p.His777Asn; replaces histidine 777 with asparagine.
Molecular consequence: missense variant.
Genome position (GRCh38, 1-based): chr10:95,606,821, G>T on the plus strand (C>A on the coding strand, the complement: ALDH18A1 is on the minus strand). VCF-style: chr10-95606821-G-T. GRCh37 (hg19) VCF-style: chr10-97366578-G-T.
Other names: c.2323C>A, p.His775Asn (NM_001017423.2, NM_001323415.2); c.1996C>A, p.His666Asn (NM_001323412.2, NM_001323416.2); c.2329C>A, p.His777Asn (NM_001323413.2, NM_001323414.2); c.2224C>A, p.His742Asn (NM_001323417.2); c.1990C>A, p.His664Asn (NM_001323418.2); c.1693C>A, p.His565Asn (NM_001323419.2); short protein forms H775N, H565N, H664N, H666N, H742N, H777N.
Identifiers: ClinVar variation 2144136 (VCV002144136.4), dbSNP rs553385013, ClinGen allele CA5620086.